The following is an entry in ClinVar:

ClinVar aggregate classification (germline): Uncertain significance. Review status: criteria provided, multiple submitters, no conflicts (2 of 4 stars). 2 submissions from 2 submitters: Uncertain significance (2). Last evaluated 2024-03-12.

Allele frequency attached by ClinVar (database versions not stated): gnomAD exomes below 0.00001; TOPMed below 0.00001; gnomAD 0.00001.
gnomAD v4.1: 6 of 1,613,852 alleles (0.00037%); highest among the groups gnomAD compares: Middle Eastern, 0.016%; no homozygotes.

Submissions (2):

Blueprint Genetics
Classification: Uncertain significance. Last evaluated: 2024-03-12. Review status: criteria provided, single submitter. Criteria: ACMG Guidelines, 2015. Collection method: clinical testing. Allele origin: germline.

Labcorp Genetics (formerly Invitae), Labcorp
Classification: Uncertain significance. Last evaluated: 2022-11-03. Review status: criteria provided, single submitter. Criteria: Invitae Variant Classification Sherloc (09022015). Collection method: clinical testing. Allele origin: germline.
Comment: In summary, the available evidence is currently insufficient to determine the role of this variant in disease. Therefore, it has been classified as a Variant of Uncertain Significance. Advanced modeling of protein sequence and biophysical properties (such as structural, functional, and spatial information, amino acid conservation, physicochemical variation, residue mobility, and thermodynamic stability) performed at Invitae indicates that this missense variant is expected to disrupt SAG protein function. ClinVar contains an entry for this variant (Variation ID: 1044870). This variant has not been reported in the literature in individuals affected with SAG-related conditions. This variant is not present in population databases (gnomAD no frequency). This sequence change replaces valine, which is neutral and non-polar, with alanine, which is neutral and non-polar, at codon 272 of the SAG protein (p.Val272Ala).

NM_000541.5(SAG):c.815T>C (p.Val272Ala)

Gene: SAG (S-antigen visual arrestin; plus strand). Cytogenetic location: 2q37.1.
Variant type: single nucleotide variant.
Coding change: c.815T>C on transcript NM_000541.5 (MANE Select); coding-DNA position 815, T replaced by C.
Protein change: p.Val272Ala; replaces valine 272 with alanine.
Molecular consequence: missense variant.
Genome position (GRCh38, 1-based): chr2:233,334,970, T>C. VCF-style: chr2-233334970-T-C. GRCh37 (hg19) VCF-style: chr2-234243616-T-C.
Other names: short protein forms V272A.
Identifiers: ClinVar variation 1044870 (VCV001044870.9), dbSNP rs1054084491, ClinGen allele CA67556839.
Genomic context (GRCh38, chr2:233,334,970, plus strand): 5'-GGTCCATGGCAGCTTTGATGGTTATAAATCTCCTCTGTTCTTCTTCCTCTAGAGAAAAAG[T>C]GCCACCAAACAGCACTTTGACCAAGACGCTGACGCTGCTGCCCTTGCTGGCTAACAATCG-3'
Protein context (NP_000532.2, residues 262-282): PVAMEEAQEK[Val272Ala]PPNSTLTKTL